The following is an entry in ClinVar:

ClinVar aggregate classification (germline): Uncertain significance (1 of 4 stars; one submission).

Conditions:
Combined immunodeficiency due to LRBA deficiency. Also called: Common variable immunodeficiency 8, with autoimmunity. Identifiers: Orphanet 445018, MedGen C3553512, MONDO:0013863, OMIM 614700.

Allele frequency attached by ClinVar (database versions not stated): gnomAD exomes below 0.00001; TOPMed 0.00002; ExAC 0.00001; gnomAD 0.00003.
gnomAD v4.1: 8 of 1,613,440 alleles (0.0005%); highest among the groups gnomAD compares: African/African-American, 0.008%; no homozygotes.

Submission:

Labcorp Genetics (formerly Invitae), Labcorp
Classification: Uncertain significance for Combined immunodeficiency due to LRBA deficiency. Last evaluated: 2024-02-24. Review status: criteria provided, single submitter. Criteria: Invitae Variant Classification Sherloc (09022015). Collection method: clinical testing. Allele origin: germline.
Comment: This sequence change replaces serine, which is neutral and polar, with phenylalanine, which is neutral and non-polar, at codon 2479 of the LRBA protein (p.Ser2479Phe). This variant is present in population databases (rs760079780, gnomAD 0.003%). This variant has not been reported in the literature in individuals affected with LRBA-related conditions. ClinVar contains an entry for this variant (Variation ID: 663150). Advanced modeling of protein sequence and biophysical properties (such as structural, functional, and spatial information, amino acid conservation, physicochemical variation, residue mobility, and thermodynamic stability) performed at Invitae indicates that this missense variant is not expected to disrupt LRBA protein function with a negative predictive value of 80%. In summary, the available evidence is currently insufficient to determine the role of this variant in disease. Therefore, it has been classified as a Variant of Uncertain Significance.

NM_001364905.1(LRBA):c.7403C>T (p.Ser2468Phe)

Gene: LRBA (LPS responsive beige-like anchor protein; minus strand). Cytogenetic location: 4q31.3.
Variant type: single nucleotide variant.
Coding change: c.7403C>T on transcript NM_001364905.1 (MANE Select); coding-DNA position 7403, C replaced by T.
Protein change: p.Ser2468Phe; replaces serine 2468 with phenylalanine.
Molecular consequence: missense variant.
Genome position (GRCh38, 1-based): chr4:150,325,858, G>A on the plus strand (C>T on the coding strand, the complement: LRBA is on the minus strand). VCF-style: chr4-150325858-G-A. GRCh37 (hg19) VCF-style: chr4-151247010-G-A.
Other names: c.7403C>T, p.Ser2468Phe (NM_001199282.3, NM_001367550.1); c.7436C>T, p.Ser2479Phe (NM_006726.5); short protein forms S2468F, S2479F.
Identifiers: ClinVar variation 663150 (VCV000663150.8), dbSNP rs760079780, ClinGen allele CA3101657.